The following is an entry in ClinVar:

ClinVar aggregate classification (germline): Uncertain significance. Review status: criteria provided, multiple submitters, no conflicts (2 of 4 stars). 2 submissions from 2 submitters: Uncertain significance (2). Last evaluated 2023-08-01.

Allele frequency attached by ClinVar (database versions not stated): gnomAD exomes below 0.00001 and 0.00002; gnomAD 0.00003; TOPMed 0.00005.
gnomAD v4.1: 38 of 1,614,006 alleles (0.0024%); highest among the groups gnomAD compares: Non-Finnish European, 0.0031%; no homozygotes.

Submissions (2):

CeGaT Center for Human Genetics Tuebingen
Classification: Uncertain significance. Last evaluated: 2023-08-01. Review status: criteria provided, single submitter. Criteria: CeGaT Center For Human Genetics Tuebingen Variant Classification Criteria Version 2. Collection method: clinical testing. Allele origin: germline. Affected: yes. Observed: 1 variant allele.
Comment: SPEG: PM2, BP4

Labcorp Genetics (formerly Invitae), Labcorp
Classification: Uncertain significance. Last evaluated: 2022-05-21. Review status: criteria provided, single submitter. Criteria: Invitae Variant Classification Sherloc (09022015). Collection method: clinical testing. Allele origin: germline.
Comment: This sequence change replaces aspartic acid, which is acidic and polar, with glycine, which is neutral and non-polar, at codon 1394 of the SPEG protein (p.Asp1394Gly). This variant is present in population databases (no rsID available, gnomAD 0.002%). This variant has not been reported in the literature in individuals affected with SPEG-related conditions. Algorithms developed to predict the effect of missense changes on protein structure and function are either unavailable or do not agree on the potential impact of this missense change (SIFT: "Deleterious"; PolyPhen-2: "Probably Damaging"; Align-GVGD: "Class C0"). In summary, the available evidence is currently insufficient to determine the role of this variant in disease. Therefore, it has been classified as a Variant of Uncertain Significance.

NM_005876.5(SPEG):c.4181A>G (p.Asp1394Gly)

Gene: SPEG (striated muscle enriched protein kinase; plus strand). Cytogenetic location: 2q35.
Variant type: single nucleotide variant.
Coding change: c.4181A>G on transcript NM_005876.5 (MANE Select); coding-DNA position 4181, A replaced by G.
Protein change: p.Asp1394Gly; replaces aspartic acid 1394 with glycine.
Molecular consequence: missense variant.
Genome position (GRCh38, 1-based): chr2:219,473,537, A>G. VCF-style: chr2-219473537-A-G. GRCh37 (hg19) VCF-style: chr2-220338259-A-G.
Other names: short protein forms D1394G.
Identifiers: ClinVar variation 1367668 (VCV001367668.29), dbSNP rs1012176876, ClinGen allele CA65979431.